The following is an entry in ClinVar:

NM_014920.5(CILK1):c.995G>A (p.Arg332Gln)

Gene: CILK1 (ciliogenesis associated kinase 1; minus strand). Cytogenetic location: 6p12.1.
Variant type: single nucleotide variant.
Coding change: c.995G>A on transcript NM_014920.5 (MANE Select); coding-DNA position 995, G replaced by A.
Protein change: p.Arg332Gln; replaces arginine 332 with glutamine.
Molecular consequence: missense variant. On other transcripts: non-coding transcript variant (1).
Genome position (GRCh38, 1-based): chr6:53,013,819, C>T on the plus strand (G>A on the coding strand, the complement: CILK1 is on the minus strand). VCF-style: chr6-53013819-C-T. GRCh37 (hg19) VCF-style: chr6-52878617-C-T.
Other names: c.995G>A, p.Arg332Gln (NM_001375397.1, NM_001375398.1, NM_001375399.1 and 4 more transcripts); c.995G>A (NM_016513.4); short protein forms R332Q.
Identifiers: ClinVar variation 1680553 (VCV001680553.8), dbSNP rs561765544, ClinGen allele CA3858649.

ClinVar aggregate classification (germline): Uncertain significance. Review status: criteria provided, multiple submitters, no conflicts (2 of 4 stars). 2 submissions from 2 submitters: Uncertain significance (2). Last evaluated 2025-06-11.

Allele frequency attached by ClinVar (database versions not stated): 1000 Genomes Project 30x 0.00016; 1000 Genomes Project 0.00020; gnomAD exomes 0.00001 and 0.00003; TOPMed 0.00003; ExAC 0.00004; gnomAD 0.00004.
gnomAD v4.1: 28 of 1,613,776 alleles (0.0017%); highest among the groups gnomAD compares: South Asian, 0.011%; no homozygotes.

Submissions (2):

Ambry Genetics
Classification: Uncertain significance. Last evaluated: 2025-06-11. Review status: criteria provided, single submitter. Criteria: Ambry Variant Classification Scheme 2023. Collection method: clinical testing. Allele origin: germline.

Labcorp Genetics (formerly Invitae), Labcorp
Classification: Uncertain significance. Last evaluated: 2024-12-02. Review status: criteria provided, single submitter. Criteria: Invitae Variant Classification Sherloc (09022015). Collection method: clinical testing. Allele origin: germline.
Comment: This sequence change replaces arginine, which is basic and polar, with glutamine, which is neutral and polar, at codon 332 of the ICK protein (p.Arg332Gln). This variant is present in population databases (rs561765544, gnomAD 0.02%). This variant has not been reported in the literature in individuals affected with ICK-related conditions. ClinVar contains an entry for this variant (Variation ID: 1680553). Invitae Evidence Modeling of protein sequence and biophysical properties (such as structural, functional, and spatial information, amino acid conservation, physicochemical variation, residue mobility, and thermodynamic stability) indicates that this missense variant is not expected to disrupt ICK protein function with a negative predictive value of 80%. In summary, the available evidence is currently insufficient to determine the role of this variant in disease. Therefore, it has been classified as a Variant of Uncertain Significance.